The following is an entry in ClinVar:

ClinVar aggregate classification (germline): Likely benign. Review status: criteria provided, single submitter (1 of 4 stars). 2 submissions from 2 submitters: Likely benign (1). 1 of the submissions does not count toward it. Last evaluated 2026-06-01.

Conditions:
GP1BA-related disorder. Also called: GP1BA-related condition.

Allele frequency attached by ClinVar (database versions not stated): ExAC 0.00002; gnomAD 0.00009; gnomAD exomes 0.00022; 1000 Genomes Project 0.00080.

Submissions (2):

CeGaT Center for Human Genetics Tuebingen
Classification: Likely benign. Last evaluated: 2026-06-01. Review status: criteria provided, single submitter. Criteria: CeGaT Center For Human Genetics Tuebingen Variant Classification Criteria Version 2. Collection method: clinical testing. Allele origin: germline. Affected: yes. Observed: 2 variant alleles.
Comment: GP1BA: BP4, BP7

PreventionGenetics, part of Exact Sciences
Classification: Likely benign for GP1BA-related condition. Last evaluated: 2021-12-01. Review status: no assertion criteria provided. Collection method: clinical testing. Allele origin: germline. Not counted in ClinVar's aggregate classification.
Comment: This variant is classified as likely benign based on ACMG/AMP sequence variant interpretation guidelines (Richards et al. 2015 PMID: 25741868, with internal and published modifications).

NM_000173.7(GP1BA):c.1233A>G (p.Pro411=)

Gene: GP1BA (glycoprotein Ib platelet subunit alpha; plus strand). Cytogenetic location: 17p13.2.
Variant type: single nucleotide variant.
Coding change: c.1233A>G on transcript NM_000173.7 (MANE Select); coding-DNA position 1233, A replaced by G.
Protein change: p.Pro411=; no amino-acid change (proline 411 retained).
Molecular consequence: synonymous variant.
Genome position (GRCh38, 1-based): chr17:4,933,837, A>G. VCF-style: chr17-4933837-A-G. GRCh37 (hg19) VCF-style: chr17-4837132-A-G.
Identifiers: ClinVar variation 3050960 (VCV003050960.15), dbSNP rs12940222, ClinGen allele CA8314932.
Genomic context (GRCh38, chr17:4,933,837, plus strand): 5'-CGTCCCGGAGCCCGCCCCAAACATGACCACCCTGGAGCCCACTCCAAGCCCGACCACCCC[A>G]GAGCCCACCTCAGAGCCCGCCCCCAGCCCGACCACCCCGGAGCCCACCTCAGAGCCCGCC-3'
Protein context (NP_000164.5, residues 401-421): TLEPTPSPTT[Pro411=]EPTSEPAPSP